The following is an entry in ClinVar:

NM_015335.5(MED13L):c.2330C>G (p.Ser777Cys)

Gene: MED13L (mediator complex subunit 13L; minus strand). Cytogenetic location: 12q24.21.
Variant type: single nucleotide variant.
Coding change: c.2330C>G on transcript NM_015335.5 (MANE Select); coding-DNA position 2330, C replaced by G.
Protein change: p.Ser777Cys; replaces serine 777 with cysteine.
Molecular consequence: missense variant.
Genome position (GRCh38, 1-based): chr12:116,006,320, G>C on the plus strand (C>G on the coding strand, the complement: MED13L is on the minus strand). VCF-style: chr12-116006320-G-C. GRCh37 (hg19) VCF-style: chr12-116444125-G-C.
Other names: short protein forms S777C.
Identifiers: ClinVar variation 976305 (VCV000976305.5), dbSNP rs1879044151, ClinGen allele CA386893321.
Genomic context (GRCh38, chr12:116,006,320, plus strand): 5'-TCATTTTAGCAACAATCCAAGTGAGGCAAATAATCATTGTACACACCTGTTTTAGTAGCA[G>C]AACTGAAAATAGACATGGCATTTTTCCCATCAGGCACCGGCGTGGAATGACCTGGTGTAG-3'
Protein context (NP_056150.1, residues 767-787): DGKNAMSIFS[Ser777Cys]ATKTDVRQDN

ClinVar aggregate classification (germline): Uncertain significance. Review status: criteria provided, multiple submitters, no conflicts (2 of 4 stars). 3 submissions from 3 submitters: Uncertain significance (3). Last evaluated 2024-03-24.

Conditions:
Cardiac anomalies - developmental delay - facial dysmorphism syndrome (MRFACD). Also called: Impaired intellectual development and distinctive facial features with or without cardiac defects; MED13L Syndrome. Identifiers: Orphanet 369891, MedGen C5192431, MONDO:0014773, OMIM 616789.
Dextro-looped transposition of the great arteries. Also called: Dextrotransposition of the great arteries. Identifiers: Orphanet 860, MedGen C3531771, MONDO:0019443, OMIM 608808, HP:0031348.
Inborn genetic diseases. Identifiers: MedGen C0950123, MeSH D030342.

Allele frequency attached by ClinVar (database versions not stated): gnomAD exomes below 0.00001; TOPMed below 0.00001; gnomAD 0.00001.
gnomAD v4.1: 2 of 1,613,656 alleles (0.00012%); highest among the groups gnomAD compares: Non-Finnish European, 0.00017%; no homozygotes.

Submissions (3):

Labcorp Genetics (formerly Invitae), Labcorp
Classification: Uncertain significance for Dextro-looped transposition of the great arteries. Last evaluated: 2024-03-24. Review status: criteria provided, single submitter. Criteria: Invitae Variant Classification Sherloc (09022015). Collection method: clinical testing. Allele origin: germline.
Comment: This sequence change replaces serine, which is neutral and polar, with cysteine, which is neutral and slightly polar, at codon 777 of the MED13L protein (p.Ser777Cys). This variant is not present in population databases (gnomAD no frequency). This variant has not been reported in the literature in individuals affected with MED13L-related conditions. ClinVar contains an entry for this variant (Variation ID: 976305). Advanced modeling of protein sequence and biophysical properties (such as structural, functional, and spatial information, amino acid conservation, physicochemical variation, residue mobility, and thermodynamic stability) has been performed at Invitae for this missense variant, however the output from this modeling did not meet the statistical confidence thresholds required to predict the impact of this variant on MED13L protein function. In summary, the available evidence is currently insufficient to determine the role of this variant in disease. Therefore, it has been classified as a Variant of Uncertain Significance.

Ambry Genetics
Classification: Uncertain significance for Inborn genetic diseases. Last evaluated: 2023-04-04. Review status: criteria provided, single submitter. Criteria: Ambry Variant Classification Scheme 2023. Collection method: clinical testing. Allele origin: germline.

Institute of Human Genetics, University of Leipzig Medical Center
Classification: Uncertain significance for Cardiac anomalies - developmental delay - facial dysmorphism syndrome. Last evaluated: 2020-01-29. Review status: criteria provided, single submitter. Criteria: ACMG Guidelines, 2015. Collection method: clinical testing. Allele origin: germline. Affected: yes. Observed: 1 variant allele.